The following is an entry in ClinVar:

ClinVar aggregate classification (germline): Uncertain significance (1 of 4 stars; one submission).

Conditions:
Angelman syndrome (AS). Also called: HAPPY PUPPET SYNDROME. Identifiers: Orphanet 72, MedGen C0162635, MONDO:0007113, OMIM 105830. Disease mechanism: loss of function. Inheritance: imprinting disorder, AS is caused by disruption of maternally imprinted UBE3A located within the 15q11.2-q13 Angelman syndrome/Prader-Willi syndrome (AS/PWS) region..

Submission:

Labcorp Genetics (formerly Invitae), Labcorp
Classification: Uncertain significance for Angelman syndrome. Last evaluated: 2025-11-24. Review status: criteria provided, single submitter. Criteria: Invitae Variant Classification Sherloc (09022015). Collection method: clinical testing. Allele origin: germline.
Comment: This sequence change replaces leucine, which is neutral and non-polar, with phenylalanine, which is neutral and non-polar, at codon 126 of the UBE3A protein (p.Leu126Phe). This variant is not present in population databases (gnomAD no frequency). This variant has not been reported in the literature in individuals affected with UBE3A-related conditions. Invitae Evidence Modeling of protein sequence and biophysical properties (such as structural, functional, and spatial information, amino acid conservation, physicochemical variation, residue mobility, and thermodynamic stability) indicates that this missense variant is expected to disrupt UBE3A protein function with a positive predictive value of 80%. In summary, the available evidence is currently insufficient to determine the role of this variant in disease. Therefore, it has been classified as a Variant of Uncertain Significance.

NM_130839.5(UBE3A):c.438A>C (p.Leu146Phe)

Genes: SNHG14 (small nucleolar RNA host gene 14; plus strand), UBE3A (ubiquitin protein ligase E3A; minus strand). Cytogenetic location: 15q11.2.
Variant type: single nucleotide variant.
Coding change: c.438A>C on transcript NM_130839.5 (MANE Select); coding-DNA position 438, A replaced by C.
Protein change: p.Leu146Phe; replaces leucine 146 with phenylalanine.
Molecular consequence: missense variant. On other transcripts: non-coding transcript variant (1), intron variant (2).
Genome position (GRCh38, 1-based): chr15:25,371,736, T>G on the plus strand (A>C on the coding strand, the complement: UBE3A is on the minus strand). VCF-style: chr15-25371736-T-G. GRCh37 (hg19) VCF-style: chr15-25616883-T-G.
Other names: c.447A>C, p.Leu149Phe (NM_000462.5); c.438A>C, p.Leu146Phe (NM_001354505.1, NM_001354538.2, NM_001354545.2); c.378A>C, p.Leu126Phe (NM_001354506.2, NM_001354507.2, NM_001354508.2 and 17 more transcripts); c.261A>C, p.Leu87Phe (NM_001354546.2); c.301+3729A>C (NM_001354551.2); c.361+3729A>C (NM_001354550.2); short protein forms L126F, L146F, L87F, L149F.
Identifiers: ClinVar variation 4742840 (VCV004742840.1).